The following is an entry in ClinVar:

ClinVar aggregate classification (germline): Uncertain significance (1 of 4 stars; one submission).

Conditions:
Vici syndrome (VICIS). Identifiers: Orphanet 1493, MedGen C1855772, MONDO:0009452, OMIM 242840.

gnomAD v4.1: 4 of 1,483,136 alleles (0.00027%); highest among the groups gnomAD compares: South Asian, 0.003%; no homozygotes.

Submission:

Labcorp Genetics (formerly Invitae), Labcorp
Classification: Uncertain significance for Vici syndrome. Last evaluated: 2026-01-24. Review status: criteria provided, single submitter. Criteria: Invitae Variant Classification Sherloc (09022015). Collection method: clinical testing. Allele origin: germline.
Comment: This sequence change replaces alanine, which is neutral and non-polar, with valine, which is neutral and non-polar, at codon 418 of the EPG5 protein (p.Ala418Val). The frequency data for this variant in the population databases is considered unreliable, as metrics indicate poor data quality at this position in the gnomAD database. This variant has not been reported in the literature in individuals affected with EPG5-related conditions. An algorithm developed to predict the effect of missense changes on protein structure and function outputs the following: PolyPhen-2: "Benign". The valine amino acid residue is found in multiple mammalian species, which suggests that this missense change does not adversely affect protein function. In summary, the available evidence is currently insufficient to determine the role of this variant in disease. Therefore, it has been classified as a Variant of Uncertain Significance.

NM_020964.3(EPG5):c.1253C>T (p.Ala418Val)

Genes: EPG5 (ectopic P-granules 5 autophagy tethering factor; minus strand), LOC126862737 (P300/CBP strongly-dependent group 1 enhancer GRCh37_chr18:43530707-43531906; plus strand). Cytogenetic location: 18q21.1.
Variant type: single nucleotide variant.
Coding change: c.1253C>T on transcript NM_020964.3 (MANE Select); coding-DNA position 1253, C replaced by T.
Protein change: p.Ala418Val; replaces alanine 418 with valine.
Molecular consequence: missense variant.
Genome position (GRCh38, 1-based): chr18:45,951,238, G>A on the plus strand (C>T on the coding strand, the complement: EPG5 is on the minus strand). VCF-style: chr18-45951238-G-A. GRCh37 (hg19) VCF-style: chr18-43531204-G-A.
Other names: c.1253C>T, p.Ala418Val (NM_001410858.1, NM_001410859.1); short protein forms A418V.
Identifiers: ClinVar variation 4740550 (VCV004740550.1).